The following is an entry in ClinVar:

ClinVar aggregate classification (germline): Uncertain significance (1 of 4 stars; one submission).

Conditions:
Inclusion body myopathy and brain white matter abnormalities (IBMWMA). Also called: MULTISYSTEM PROTEINOPATHY 6. Identifiers: MedGen C5676909, MONDO:0850514, OMIM 619733.

Submission:

Foundation for Research in Genetics and Endocrinology, FRIGE's Institute of Human Genetics
Classification: Uncertain significance for Inclusion body myopathy and brain white matter abnormalities. Last evaluated: 2026-05-28. Review status: criteria provided, single submitter. Criteria: ACMG Guidelines, 2015. Collection method: clinical testing. Allele origin: germline. Inheritance: Autosomal dominant inheritance. Affected: yes. Observed: 1 variant allele, 1 heterozygote.
Comment: A heterozygous missense variant in exon 16 of the ANXA11 gene that results in the amino acid substitution of Glycine for Aspartic acid at codon 492 (p.Asp492Gly) was detected. This variant has not been reported in the 1000 genomes, gnomAD (v3.1), gnomAD (v2.1) and topmed databases. The insilico predictions of the variant are probably damaging by PolyPhen-2 and damaging by SIFT, LRT and CONDEL. Thereference codon is conserved across species. In summary, the variant meets our criteria to be classified as variant of uncertain significance.

NM_145868.2(ANXA11):c.1475A>G (p.Asp492Gly)

Gene: ANXA11 (annexin A11; minus strand). Cytogenetic location: 10q22.3.
Variant type: single nucleotide variant.
Coding change: c.1475A>G on transcript NM_145868.2 (MANE Select); coding-DNA position 1475, A replaced by G.
Protein change: p.Asp492Gly; replaces aspartic acid 492 with glycine.
Molecular consequence: missense variant.
Genome position (GRCh38, 1-based): chr10:80,155,896, T>C on the plus strand (A>G on the coding strand, the complement: ANXA11 is on the minus strand). VCF-style: chr10-80155896-T-C. GRCh37 (hg19) VCF-style: chr10-81915652-T-C.
Other names: p.Asp492Gly; c.1475A>G, p.Asp492Gly (NM_001157.3, NM_001278407.2, NM_001278408.2 and 1 more transcripts); c.1376A>G, p.Asp459Gly (NM_001278409.2); short protein forms D459G, D492G.
Identifiers: ClinVar variation 4852480 (VCV004852480.1).
Genomic context (GRCh38, chr10:80,155,896, plus strand): 5'-GAGCCACCAGTCACTGTTCAGTCATTGCCACCACAGATCTTCAGCAGAATCTTCCGGTAA[T>C]CCCCTGAAGTATCTCCCTGGCCACAGAAACAAGGAAGACATCCGTTAAGGGAGGGACAGT-3'
Protein context (NP_665875.1, residues 482-502): YHDISGDTSG[Asp492Gly]YRKILLKICG